The following is an entry in ClinVar:

NM_020884.7(MYH7B):c.3982G>A (p.Glu1328Lys)

Gene: MYH7B (myosin heavy chain 7B; plus strand). Cytogenetic location: 20q11.22.
Variant type: single nucleotide variant.
Coding change: c.3982G>A on transcript NM_020884.7 (MANE Select); coding-DNA position 3982, G replaced by A.
Protein change: p.Glu1328Lys; replaces glutamic acid 1328 with lysine.
Molecular consequence: missense variant.
Genome position (GRCh38, 1-based): chr20:34,998,618, G>A. VCF-style: chr20-34998618-G-A. GRCh37 (hg19) VCF-style: chr20-33586421-G-A.
Other names: short protein forms E1328K.
Identifiers: ClinVar variation 4769241 (VCV004769241.1).

ClinVar aggregate classification (germline): Uncertain significance (1 of 4 stars; one submission).

gnomAD v4.1: 6 of 1,613,228 alleles (0.00037%); highest among the groups gnomAD compares: Non-Finnish European, 0.00051%; no homozygotes.

Submission:

Labcorp Genetics (formerly Invitae), Labcorp
Classification: Uncertain significance. Last evaluated: 2025-02-16. Review status: criteria provided, single submitter. Criteria: Invitae Variant Classification Sherloc (09022015). Collection method: clinical testing. Allele origin: germline.
Comment: This sequence change replaces glutamic acid, which is acidic and polar, with lysine, which is basic and polar, at codon 1370 of the MYH7B protein (p.Glu1370Lys). This variant is not present in population databases (gnomAD no frequency). This variant has not been reported in the literature in individuals affected with MYH7B-related conditions. Invitae Evidence Modeling of protein sequence and biophysical properties (such as structural, functional, and spatial information, amino acid conservation, physicochemical variation, residue mobility, and thermodynamic stability) has been performed for this missense variant. However, the output from this modeling did not meet the statistical confidence thresholds required to predict the impact of this variant on MYH7B protein function. In summary, the available evidence is currently insufficient to determine the role of this variant in disease. Therefore, it has been classified as a Variant of Uncertain Significance.